The following is an entry in ClinVar:

ClinVar aggregate classification (germline): Likely benign (1 of 4 stars; one submission).

Conditions:
ATL1-related disorder. Also called: ATL1-related condition.

gnomAD v4.1: 22 of 1,614,064 alleles (0.0014%); highest among the groups gnomAD compares: East Asian, 0.0022%; no homozygotes.

Submission:

PreventionGenetics, part of Exact Sciences
Classification: Likely benign for ATL1-related condition. Last evaluated: 2025-11-11. Review status: criteria provided, single submitter. Criteria: ACMG Guidelines, 2015. Collection method: clinical testing. Allele origin: germline.
Comment: This variant is classified as likely benign based on ACMG/AMP sequence variant interpretation guidelines (Richards et al. 2015 PMID: 25741868, with internal and published modifications).

NM_015915.5(ATL1):c.1479T>C (p.Tyr493=)

Gene: ATL1 (atlastin GTPase 1; plus strand). Cytogenetic location: 14q22.1.
Variant type: single nucleotide variant.
Coding change: c.1479T>C on transcript NM_015915.5 (MANE Select); coding-DNA position 1479, T replaced by C.
Protein change: p.Tyr493=; no amino-acid change (tyrosine 493 retained).
Molecular consequence: synonymous variant.
Genome position (GRCh38, 1-based): chr14:50,628,390, T>C. VCF-style: chr14-50628390-T-C. GRCh37 (hg19) VCF-style: chr14-51095108-T-C.
Other names: c.1479T>C, p.Tyr493= (NM_001127713.1, NM_181598.4).
Identifiers: ClinVar variation 4987392 (VCV004987392.1).